The following is an entry in ClinVar:

NM_000245.4(MET):c.3563_3564del (p.Val1188fs)

Gene: MET (MET proto-oncogene, receptor tyrosine kinase; plus strand). Cytogenetic location: 7q31.2.
Variant type: Deletion.
Coding change: c.3563_3564del on transcript NM_000245.4 (MANE Select); coding-DNA positions 3563 to 3564, 2 bases deleted (TA; older notation c.3563_3564delTA).
Protein change: p.Val1188fs; shifts the reading frame from valine 1188.
Molecular consequence: frameshift variant.
Genome position (GRCh38, 1-based): chr7:116,782,028-116,782,029, TA deleted. VCF-style (leftmost placement, unchanged base first): chr7-116782027-GTA-G. GRCh37 (hg19) VCF-style: chr7-116422081-GTA-G.
Other names: c.3617_3618del, p.Val1206fs (NM_001127500.3); c.2273_2274del, p.Val758fs (NM_001324402.2); c.3617_3618del (LRG_662t1); short protein forms V1188fs, V758fs, V1206fs.
Identifiers: ClinVar variation 574102 (VCV000574102.8), dbSNP rs1562935204, ClinGen allele CA891843309.

ClinVar aggregate classification (germline): Uncertain significance (1 of 4 stars; one submission).

Conditions:
Renal cell carcinoma. Identifiers: Orphanet 217071, MedGen C0007134, MeSH D002292, MONDO:0005086, HP:0005584.

Submission:

Labcorp Genetics (formerly Invitae), Labcorp
Classification: Uncertain significance for Renal cell carcinoma. Last evaluated: 2020-11-21. Review status: criteria provided, single submitter. Criteria: Invitae Variant Classification Sherloc (09022015). Collection method: clinical testing. Allele origin: germline.
Comment: In summary, the available evidence is currently insufficient to determine the role of this variant in disease. Therefore, it has been classified as a Variant of Uncertain Significance. Algorithms developed to predict the effect of sequence changes on RNA splicing suggest that this variant may create or strengthen a splice site, but this prediction has not been confirmed by published transcriptional studies. This variant has not been reported in the literature in individuals with MET-related conditions. ClinVar contains an entry for this variant (Variation ID: 574102). This variant is not present in population databases (ExAC no frequency). This sequence change creates a premature translational stop signal (p.Val1206Glyfs*26) in the MET gene. It is expected to result in an absent or disrupted protein product. However, the current clinical and genetic evidence is not sufficient to establish whether loss-of-function variants in MET cause disease.